The following is an entry in ClinVar:

ClinVar aggregate classification (germline): Likely benign (0 of 4 stars; one submission).

Conditions:
KMT2D-related disorder. Also called: KMT2D-Related Disorders.

Submission:

PreventionGenetics, part of Exact Sciences
Classification: Likely benign for KMT2D-related condition. Last evaluated: 2023-07-10. Review status: no assertion criteria provided. Collection method: clinical testing. Allele origin: germline.
Comment: This variant is classified as likely benign based on ACMG/AMP sequence variant interpretation guidelines (Richards et al. 2015 PMID: 25741868, with internal and published modifications).

NM_003482.4(KMT2D):c.13671+21C>T

Gene: KMT2D (lysine methyltransferase 2D; minus strand). Cytogenetic location: 12q13.12.
Variant type: single nucleotide variant.
Coding change: c.13671+21C>T on transcript NM_003482.4 (MANE Select); 21 bases into the intron after coding-DNA position 13671, C replaced by T.
Molecular consequence: intron variant.
Genome position (GRCh38, 1-based): chr12:49,030,872, G>A on the plus strand (C>T on the coding strand, the complement: KMT2D is on the minus strand). VCF-style: chr12-49030872-G-A. GRCh37 (hg19) VCF-style: chr12-49424655-G-A.
Identifiers: ClinVar variation 3028978 (VCV003028978.2), dbSNP rs1273818761, ClinGen allele CA2034945474.